The following is an entry in ClinVar:

NM_001080421.3(UNC13A):c.4117C>T (p.Arg1373Ter)

Gene: UNC13A (unc-13 homolog A; minus strand). Cytogenetic location: 19p13.11.
Variant type: single nucleotide variant.
Coding change: c.4117C>T on transcript NM_001080421.3 (MANE Select); coding-DNA position 4117, C replaced by T.
Protein change: p.Arg1373Ter; replaces arginine 1373 with a stop codon.
Molecular consequence: nonsense.
Genome position (GRCh38, 1-based): chr19:17,624,909, G>A on the plus strand (C>T on the coding strand, the complement: UNC13A is on the minus strand). VCF-style: chr19-17624909-G-A. GRCh37 (hg19) VCF-style: chr19-17735718-G-A.
Other names: c.4111C>T, p.Arg1371Ter (NM_001387021.1, NM_001387023.1); c.4108C>T, p.Arg1370Ter (NM_001387022.1); short protein forms R1370*, R1371*, R1373*.
Identifiers: ClinVar variation 4076676 (VCV004076676.1).

ClinVar aggregate classification (germline): Uncertain significance (1 of 4 stars; one submission).

gnomAD v4.1: 1 of 1,613,778 alleles (0.000062%); highest among the groups gnomAD compares: Non-Finnish European, 0.000085%; no homozygotes.

Submission:

GeneDx
Classification: Uncertain significance. Last evaluated: 2025-02-20. Review status: criteria provided, single submitter. Criteria: GeneDx Variant Classification Process June 2021. Collection method: clinical testing. Allele origin: germline. Affected: yes.
Comment: Not observed at significant frequency in large population cohorts (gnomAD); Nonsense variant predicted to result in protein truncation or nonsense mediated decay in a gene or region of a gene for which loss of function is not a well-established mechanism of disease; Has not been previously published as pathogenic or benign to our knowledge